The following is an entry in ClinVar:

NM_000155.4(GALT):c.394C>T (p.His132Tyr)

Gene: GALT (galactose-1-phosphate uridylyltransferase; plus strand). Cytogenetic location: 9p13.3.
Variant type: single nucleotide variant.
Coding change: c.394C>T on transcript NM_000155.4 (MANE Select); coding-DNA position 394, C replaced by T.
Protein change: p.His132Tyr; replaces histidine 132 with tyrosine.
Molecular consequence: missense variant.
Genome position (GRCh38, 1-based): chr9:34,647,848, C>T. VCF-style: chr9-34647848-C-T. GRCh37 (hg19) VCF-style: chr9-34647845-C-T.
Other names: c.67C>T, p.His23Tyr (NM_001258332.2); short protein forms H132Y, H23Y.
Identifiers: ClinVar variation 37357 (VCV000037357.22), dbSNP rs111033688, ClinGen allele CA259382.

ClinVar aggregate classification (germline): Pathogenic/Likely pathogenic. Review status: criteria provided, multiple submitters, no conflicts (2 of 4 stars). 6 submissions from 6 submitters: Pathogenic (1); Likely pathogenic (4). 1 of the submissions does not count toward it. Last evaluated 2025-03-25.

Conditions:
Galactosemia. Also called: Galactose intolerance. Identifiers: Orphanet 352, MedGen C0016952, MONDO:0018116, HP:0004919. Disease mechanism: loss of function.
Deficiency of UDPglucose-hexose-1-phosphate uridylyltransferase. Also called: GALACTOSE-1-PHOSPHATE URIDYLYLTRANSFERASE DEFICIENCY; Transferase Deficiency Galactosemia; GALACTOSEMIA I; GALT deficiency; Galactosemia, classic. Identifiers: Orphanet 352, Orphanet 79239, MedGen C0268151, MONDO:0009258, OMIM 230400.

Allele frequency attached by ClinVar (database versions not stated): gnomAD exomes below 0.00001.
gnomAD v4.1: 1 of 1,614,222 alleles (0.000062%); highest among the groups gnomAD compares: Non-Finnish European, 0.000085%; no homozygotes.

Submissions (6):

Natera, Inc.
Classification: Likely pathogenic for Galactosemia. Last evaluated: 2025-03-25. Review status: criteria provided, single submitter. Criteria: Natera Variant Classification Schema (03/2026). Collection method: clinical testing. Allele origin: germline.
Comment: The c.394C>T variant in GALT is a missense variant predicted to cause substitution of histidine to tyrosine at amino acid 132. This variant is rare in the general population with a frequency below the threshold expected for the associated phenotype(s). This variant has been observed in one or more individuals affected with the associated recessive disease, as either homozygous or compound heterozygous with a second variant (PMID: 31194682). This variant has been identified in one or more affected individual with a phenotype highly consistent with the associated gene (PMID: 31194682). A different variant at the same position has been determined to be Pathogenic or Likely Pathogenic. Computational prediction algorithms indicate this variant is likely to affect gene or protein function. Given the available evidence, this variant is classified as Likely Pathogenic.

Revvity Omics, Revvity
Classification: Likely pathogenic for Deficiency of UDPglucose-hexose-1-phosphate uridylyltransferase. Last evaluated: 2022-06-24. Review status: criteria provided, single submitter. Criteria: ACMG Guidelines, 2015. Collection method: clinical testing. Allele origin: germline.

Labcorp Genetics (formerly Invitae), Labcorp
Classification: Likely pathogenic for Deficiency of UDPglucose-hexose-1-phosphate uridylyltransferase. Last evaluated: 2022-06-13. Review status: criteria provided, single submitter. Criteria: Invitae Variant Classification Sherloc (09022015). Collection method: clinical testing. Allele origin: germline.
Comment: This sequence change replaces histidine, which is basic and polar, with tyrosine, which is neutral and polar, at codon 132 of the GALT protein (p.His132Tyr). In summary, the currently available evidence indicates that the variant is pathogenic, but additional data are needed to prove that conclusively. Therefore, this variant has been classified as Likely Pathogenic. This variant disrupts the p.His132 amino acid residue in GALT. Other variant(s) that disrupt this residue have been determined to be pathogenic (PMID: 22461411, 22944367, 28649529; Invitae). This suggests that this residue is clinically significant, and that variants that disrupt this residue are likely to be disease-causing. Advanced modeling of protein sequence and biophysical properties (such as structural, functional, and spatial information, amino acid conservation, physicochemical variation, residue mobility, and thermodynamic stability) performed at Invitae indicates that this missense variant is expected to disrupt GALT protein function. ClinVar contains an entry for this variant (Variation ID: 37357). This missense change has been observed in individual(s) with galactosemia (PMID: 11261429, 19904210, 27176039). This variant is not present in population databases (gnomAD no frequency).

ARUP Laboratories, Molecular Genetics and Genomics, ARUP Laboratories
Classification: Likely pathogenic for Deficiency of UDPglucose-hexose-1-phosphate uridylyltransferase. Last evaluated: 2019-04-17. Review status: criteria provided, single submitter. Criteria: ARUP Molecular Germline Variant Investigation Process. Collection method: clinical testing. Allele origin: germline.
Comment: The GALT c.394C>T; p.His132Tyr variant (rs367543256) is reported in the in individuals affected with galactosemia (Elsas 1998, Powell 2009). Functional analyses demonstrate reduced enzyme activity when in the compound heterozygous state with the Duarte allele (Powell 2009). This variant is reported in ClinVar (Variation ID: 37357), and is absent from general population databases (Exome Variant Server, Genome Aggregation Database), indicating it is not a common polymorphism. Additionally, another variant at this codon (c.396C>A; p.His132Gln) has been reported in individuals with galactosemia and is considered pathogenic (Narravula 2017, Tang 2012). The histidine at codon 132 is highly conserved, and computational analyses (SIFT, PolyPhen-2) predict that this variant is deleterious. Based on available information, this variant is considered to be likely pathogenic. References: Elsas LJ 2nd and Lai K. The molecular biology of galactosemia. Genet Med. 1998 Nov-Dec;1(1):40-8. Powell KK et al. Long-term speech and language developmental issues among children with Duarte galactosemia. Genet Med. 2009 Dec;11(12):874-9. Narravula A Variants of uncertain significance in newborn screening disorders: implications for large-scale genomic sequencing. Genet Med. 2017 Jan;19(1):77-82. Tang M et al. Correlation assessment among clinical phenotypes, expression analysis and molecular modeling of 14 novel variations in the human galactose-1-phosphate uridylyltransferase gene. Hum Mutat. 2012 Jul;33(7):1107-15.

Kariminejad - Najmabadi Pathology & Genetics Center
Classification: Pathogenic for Deficiency of UDPglucose-hexose-1-phosphate uridylyltransferase. Review status: criteria provided, single submitter. Criteria: ACMG Guidelines, 2015. Collection method: clinical testing. Allele origin: germline. Affected: no.

Counsyl
Classification: Uncertain significance for Deficiency of UDPglucose-hexose-1-phosphate uridylyltransferase. Last evaluated: 2018-02-22. Review status: no assertion criteria provided. Collection method: clinical testing. Allele origin: unknown. Not counted in ClinVar's aggregate classification.

Literature cited by the submitters: PubMed 31194682 (cited by Natera, Inc.); PubMed 22461411 (cited by Labcorp Genetics (formerly Invitae), Labcorp); PubMed 22944367 (cited by Labcorp Genetics (formerly Invitae), Labcorp); PubMed 28649529 (cited by Labcorp Genetics (formerly Invitae), Labcorp); PubMed 11261429 (cited by Labcorp Genetics (formerly Invitae), Labcorp); PubMed 19904210 (cited by Labcorp Genetics (formerly Invitae), Labcorp and Counsyl); PubMed 27176039 (cited by Labcorp Genetics (formerly Invitae), Labcorp and Counsyl).